The following is an entry in ClinVar:

NM_153026.3(PRICKLE1):c.2141_2142delinsTT (p.Gln714Leu)

Gene: PRICKLE1 (prickle planar cell polarity protein 1; minus strand). Cytogenetic location: 12q12.
Variant type: Indel.
Coding change: c.2141_2142delinsTT on transcript NM_153026.3 (MANE Select); coding-DNA positions 2141 to 2142, AG replaced by TT.
Protein change: p.Gln714Leu; replaces glutamine 714 with leucine.
Molecular consequence: missense variant.
Genome position (GRCh38, 1-based): chr12:42,460,163-42,460,164, CT replaced by AA on the plus strand (AG replaced by TT on the coding strand, the reverse complement: PRICKLE1 is on the minus strand). VCF-style: chr12-42460163-CT-AA. GRCh37 (hg19) VCF-style: chr12-42853965-CT-AA.
Other names: c.2141_2142delinsTT, p.Gln714Leu (NM_001144881.2, NM_001144882.2, NM_001144883.2); short protein forms Q714L.
Identifiers: ClinVar variation 940233 (VCV000940233.9), dbSNP rs1937756868, ClinGen allele CA1139662600.

ClinVar aggregate classification (germline): Uncertain significance (1 of 4 stars; one submission).

Conditions:
Epilepsy, progressive myoclonic, 1B. Also called: PME. Identifiers: Orphanet 308, MedGen C2676254, MONDO:0012904, OMIM 612437.

Submission:

Labcorp Genetics (formerly Invitae), Labcorp
Classification: Uncertain significance for Epilepsy, progressive myoclonic, 1B. Last evaluated: 2022-08-23. Review status: criteria provided, single submitter. Criteria: Invitae Variant Classification Sherloc (09022015). Collection method: clinical testing. Allele origin: germline.
Comment: In summary, the available evidence is currently insufficient to determine the role of this variant in disease. Therefore, it has been classified as a Variant of Uncertain Significance. Algorithms developed to predict the effect of missense changes on protein structure and function are either unavailable or do not agree on the potential impact of this missense change (SIFT: "Not Available"; PolyPhen-2: "Benign"; Align-GVGD: "Not Available"). ClinVar contains an entry for this variant (Variation ID: 940233). This variant has not been reported in the literature in individuals affected with PRICKLE1-related conditions. Information on the frequency of this variant in the gnomAD database is not available, as this variant may be reported differently in the database. This sequence change replaces glutamine, which is neutral and polar, with leucine, which is neutral and non-polar, at codon 714 of the PRICKLE1 protein (p.Gln714Leu).